The following is an entry in ClinVar:

NM_133261.3(GIPC3):c.913G>A (p.Gly305Ser)

Gene: GIPC3 (GIPC PDZ domain containing family member 3; plus strand). Cytogenetic location: 19p13.3.
Variant type: single nucleotide variant.
Coding change: c.913G>A on transcript NM_133261.3 (MANE Select); coding-DNA position 913, G replaced by A.
Protein change: p.Gly305Ser; replaces glycine 305 with serine.
Molecular consequence: missense variant.
Genome position (GRCh38, 1-based): chr19:3,590,164, G>A. VCF-style: chr19-3590164-G-A. GRCh37 (hg19) VCF-style: chr19-3590162-G-A.
Other names: short protein forms G305S.
Identifiers: ClinVar variation 1331104 (VCV001331104.2), dbSNP rs774440451, ClinGen allele CA9080633.
Genomic context (GRCh38, chr19:3,590,164, plus strand): 5'-TCCGTCTTGGGCGAGTTCGCCTTCCCCGACGAGTTTGTGGTGGAAGTGTGGGCCGCCATC[G>A]GCGAGGCCAGAGAGGCCTGTGGCTAGTTTGCCCTGGGGGGGCCCAGCACAGCCCCAGCCC-3'
Protein context (NP_573568.1, residues 295-312): EFVVEVWAAI[Gly305Ser]EAREACG

ClinVar aggregate classification (germline): Uncertain significance (1 of 4 stars; one submission).

Allele frequency attached by ClinVar (database versions not stated): gnomAD 0.00003 and 0.00004; gnomAD exomes 0.00005 and 0.00008; ExAC 0.00022.
gnomAD v4.1: 70 of 1,606,544 alleles (0.0044%); highest among the groups gnomAD compares: South Asian, 0.03%; no homozygotes.

Submission:

GeneDx
Classification: Uncertain significance. Last evaluated: 2021-06-29. Review status: criteria provided, single submitter. Criteria: GeneDx Variant Classification Process June 2021. Collection method: clinical testing. Allele origin: germline. Affected: yes.
Comment: In silico analysis supports that this missense variant does not alter protein structure/function; Has not been previously published as pathogenic or benign to our knowledge; This variant is associated with the following publications: (PMID: 27535533)